The following is an entry in ClinVar:

ClinVar aggregate classification (germline): Uncertain significance (1 of 4 stars; one submission).

Conditions:
Charcot-Marie-Tooth disease type 4. Also called: Charcot-Marie-Tooth, Type 4; Charcot-Marie-Tooth disease, type IV. Identifiers: Orphanet 64749, MedGen C4082197, MONDO:0018995.

Submission:

Labcorp Genetics (formerly Invitae), Labcorp
Classification: Uncertain significance for Charcot-Marie-Tooth disease type 4. Last evaluated: 2021-03-22. Review status: criteria provided, single submitter. Criteria: Invitae Variant Classification Sherloc (09022015). Collection method: clinical testing. Allele origin: germline.
Comment: This variant has not been reported in the literature in individuals with FGD4-related conditions. In summary, the available evidence is currently insufficient to determine the role of this variant in disease. Therefore, it has been classified as a Variant of Uncertain Significance. Algorithms developed to predict the effect of missense changes on protein structure and function are either unavailable or do not agree on the potential impact of this missense change (SIFT: "Deleterious"; PolyPhen-2: "Benign"; Align-GVGD: "Class C55"). This variant is not present in population databases (ExAC no frequency). This sequence change replaces threonine with serine at codon 469 of the FGD4 protein (p.Thr469Ser). The threonine residue is highly conserved and there is a small physicochemical difference between threonine and serine.

NM_001370298.3(FGD4):c.1817C>G (p.Thr606Ser)

Gene: FGD4 (FYVE, RhoGEF and PH domain containing 4; plus strand). Cytogenetic location: 12p11.21.
Variant type: single nucleotide variant.
Coding change: c.1817C>G on transcript NM_001370298.3 (MANE Select); coding-DNA position 1817, C replaced by G.
Protein change: p.Thr606Ser; replaces threonine 606 with serine.
Molecular consequence: missense variant.
Genome position (GRCh38, 1-based): chr12:32,619,765, C>G. VCF-style: chr12-32619765-C-G. GRCh37 (hg19) VCF-style: chr12-32772699-C-G.
Other names: c.1661C>G, p.Thr554Ser (NM_001304481.2); c.662C>G, p.Thr221Ser (NM_001304483.2); c.374C>G, p.Thr125Ser (NM_001304484.2); c.1127C>G, p.Thr376Ser (NM_001330373.2, NM_001330374.2, NM_001384130.1); c.854C>G, p.Thr285Ser (NM_001370297.1); c.1817C>G, p.Thr606Ser (NM_001384126.1); c.1406C>G, p.Thr469Ser (NM_001384127.1, NM_001384128.1, NM_001385118.1 and 1 more transcripts); short protein forms T125S, T469S, T554S, T221S, T606S, T285S, T376S.
Identifiers: ClinVar variation 1518358 (VCV001518358.8), dbSNP rs2136879434, ClinGen allele CA384364322.